The following is an entry in ClinVar:

NM_001875.5(CPS1):c.3097del (p.Glu1033fs)

Gene: CPS1 (carbamoyl-phosphate synthase 1; plus strand). Cytogenetic location: 2q34.
Variant type: Deletion.
Coding change: c.3097del on transcript NM_001875.5 (MANE Select); coding-DNA position 3097, one base deleted (G; older notation c.3097delG).
Protein change: p.Glu1033fs; shifts the reading frame from glutamic acid 1033.
Molecular consequence: frameshift variant. On other transcripts: non-coding transcript variant (2).
Genome position (GRCh38, 1-based): chr2:210,642,621, G deleted. VCF-style (leftmost placement, unchanged base first): chr2-210642620-TG-T. GRCh37 (hg19) VCF-style: chr2-211507344-TG-T.
Other names: c.3097del, p.Glu1033fs (NM_001122633.3, NM_001369257.1); c.3130del, p.Glu1044fs (NM_001369256.1); short protein forms E1033fs, E1044fs.
Identifiers: ClinVar variation 5014572 (VCV005014572.1).

ClinVar aggregate classification (germline): Pathogenic (1 of 4 stars; one submission).

Conditions:
Congenital hyperammonemia, type I. Also called: CPS I DEFICIENCY; Carbamoyl phosphate synthetase 1 deficiency; Hyperammonemia due to carbamoyl phosphate synthetase 1 deficiency; CPS 1 deficiency; Carbamyl phosphate synthetase (CPS) deficiency; Carbamoyl phosphate synthetase I deficiency disease. Identifiers: Orphanet 147, MedGen C4082171, MONDO:0009376, OMIM 237300.

Submission:

Myriad Genetics, Inc.
Classification: Pathogenic for Congenital hyperammonemia, type I. Last evaluated: 2025-06-09. Review status: criteria provided, single submitter. Criteria: Myriad Autosomal Dominant, Autosomal Recessive and X-Linked Classification Criteria (2023). Collection method: clinical testing. Allele origin: unknown.
Comment: NM_001875.4(CPS1):c.3097delG(E1033Kfs*9) is expected to be pathogenic in the context of carbamoylphosphate synthetase I deficiency. This variant is predicted to lead to an abnormal or absent protein product due to the creation of a premature termination codon in CPS1, a gene where loss-of-function variants are known to be pathogenic. Please note: this variant was assessed in the context of healthy population screening.